The following is an entry in ClinVar:

ClinVar aggregate classification (germline): Uncertain significance. Review status: criteria provided, single submitter (1 of 4 stars). 3 submissions from 3 submitters: Uncertain significance (1). 2 of the submissions do not count toward it. Last evaluated 2024-02-12.

Conditions:
Hypertrophic cardiomyopathy 19. Also called: Familial hypertrophic cardiomyopathy 19. Identifiers: MedGen CN077603, MONDO:0013476.

Allele frequency attached by ClinVar (database versions not stated): gnomAD 0.00001 and 0.00003; gnomAD exomes 0.00001 and 0.00002; TOPMed 0.00001; ExAC 0.00003; 1000 Genomes Project 30x 0.00062; 1000 Genomes Project 0.00080.
gnomAD v4.1: 16 of 1,613,736 alleles (0.00099%); highest among the groups gnomAD compares: African/African-American, 0.004%; no homozygotes.

Submissions (3):

Labcorp Genetics (formerly Invitae), Labcorp
Classification: Uncertain significance for Hypertrophic cardiomyopathy 19. Last evaluated: 2024-02-12. Review status: criteria provided, single submitter. Criteria: Invitae Variant Classification Sherloc (09022015). Collection method: clinical testing. Allele origin: germline.
Comment: This sequence change replaces leucine, which is neutral and non-polar, with isoleucine, which is neutral and non-polar, at codon 174 of the CALR3 protein (p.Leu174Ile). This variant is present in population databases (rs143671909, gnomAD 0.03%). This variant has not been reported in the literature in individuals affected with CALR3-related conditions. ClinVar contains an entry for this variant (Variation ID: 1174672). Advanced modeling of protein sequence and biophysical properties (such as structural, functional, and spatial information, amino acid conservation, physicochemical variation, residue mobility, and thermodynamic stability) performed at Invitae indicates that this missense variant is expected to disrupt CALR3 protein function with a positive predictive value of 80%. In summary, the available evidence is currently insufficient to determine the role of this variant in disease. Therefore, it has been classified as a Variant of Uncertain Significance.

Clinical Genetics DNA and cytogenetics Diagnostics Lab, Erasmus MC, Erasmus Medical Center
Classification: Uncertain significance. Review status: no assertion criteria provided. Collection method: clinical testing. Allele origin: germline. Affected: yes. Study: VKGL Data-share Consensus. Not counted in ClinVar's aggregate classification.

Diagnostic Laboratory, Department of Genetics, University Medical Center Groningen
Classification: Uncertain significance. Review status: no assertion criteria provided. Collection method: clinical testing. Allele origin: germline. Affected: yes. Study: VKGL Data-share Consensus. Not counted in ClinVar's aggregate classification.

NM_145046.5(CALR3):c.520C>A (p.Leu174Ile)

Gene: CALR3 (calreticulin 3; minus strand). Cytogenetic location: 19p13.11.
Variant type: single nucleotide variant.
Coding change: c.520C>A on transcript NM_145046.5 (MANE Select); coding-DNA position 520, C replaced by A.
Protein change: p.Leu174Ile; replaces leucine 174 with isoleucine.
Molecular consequence: missense variant.
Genome position (GRCh38, 1-based): chr19:16,484,088, G>T on the plus strand (C>A on the coding strand, the complement: CALR3 is on the minus strand). VCF-style: chr19-16484088-G-T. GRCh37 (hg19) VCF-style: chr19-16594899-G-T.
Other names: short protein forms L174I.
Identifiers: ClinVar variation 1174672 (VCV001174672.6), dbSNP rs143671909, ClinGen allele CA9278352.